The following is an entry in ClinVar:

NM_007294.4(BRCA1):c.1395del (p.Arg466fs)

Gene: BRCA1 (BRCA1 DNA repair associated; minus strand). Cytogenetic location: 17q21.31.
Variant type: Deletion.
Coding change: c.1395del on transcript NM_007294.4 (MANE Select); coding-DNA position 1395, one base deleted (T; older notation c.1395delT).
Protein change: p.Arg466fs; shifts the reading frame from arginine 466.
Molecular consequence: frameshift variant. On other transcripts: intron variant (137).
Genome position (GRCh38, 1-based): chr17:43,094,136, A deleted on the plus strand (T on the coding strand, the reverse complement: BRCA1 is on the minus strand). VCF-style (leftmost placement, unchanged base first): chr17-43094135-GA-G. GRCh37 (hg19) VCF-style: chr17-41246152-GA-G.
Other names: c.1254del, p.Arg419fs (NM_001407850.1, NM_001407852.1, NM_001407851.1 and 29 more transcripts); c.1251del, p.Arg418fs (NM_001407846.1, NM_001407847.1, NM_001407845.1 and 20 more transcripts); c.577+608del (NM_001408492.1, NM_001408513.1, NM_001408489.1 and 9 more transcripts); c.643+608del (NM_001408468.1, NM_001408465.1, NM_001408463.1 and 3 more transcripts); c.523+608del (NM_001408501.1, NM_001408500.1, NM_001408497.1 and 3 more transcripts); c.646+608del (NM_001408455.1, NM_001408466.1, NM_001408452.1 and 11 more transcripts); c.520+608del (NM_001408503.1, NM_001408505.1, NM_001408504.1); c.787+608del (NM_001407973.1, NM_001408403.1, NM_001407983.1 and 19 more transcripts); and 40 more; short protein forms R466fs, R419fs, R354fs, R378fs, R440fs, R465fs, R339fs, R377fs.
Identifiers: ClinVar variation 1771621 (VCV001771621.5), dbSNP rs2552211365, ClinGen allele CA2580093881.
Genomic context (GRCh38, chr17:43,094,135, plus strand): 5'-ATGCTCCTATAATTAGATTTTCAGTTACATGGCTTAAGTTGGGGAGGCTTGCCTTCTTCC[GA>G]TAGGTTTTCCCAAATATTTTGTCTTCAATATTACTCTCTACTGATTTGGAGTGAACTCTT-3'

ClinVar aggregate classification (germline): Pathogenic. Review status: criteria provided, multiple submitters, no conflicts (2 of 4 stars). 2 submissions from 2 submitters: Pathogenic (2). Last evaluated 2023-06-25.

Conditions:
Hereditary cancer-predisposing syndrome. Also called: Hereditary Cancer Syndrome; Hereditary neoplastic syndrome; Neoplastic Syndromes, Hereditary; Tumor predisposition. Identifiers: Orphanet 140162, MedGen C0027672, MeSH D009386, MONDO:0015356.
Hereditary breast ovarian cancer syndrome. Also called: Hereditary breast and ovarian cancer syndrome (HBOC); Breast and ovarian cancer; Hereditary breast and ovarian cancer syndrome; Hereditary breast and/or ovarian cancer syndrome; BRCA1- and BRCA2-Associated Hereditary Breast and Ovarian Cancer; Hereditary breast and ovarian cancer. Identifiers: Orphanet 145, MedGen C0677776, MeSH D061325, MONDO:0003582. Disease mechanism: loss of function.

Submissions (2):

Labcorp Genetics (formerly Invitae), Labcorp
Classification: Pathogenic for Hereditary breast ovarian cancer syndrome. Last evaluated: 2023-06-25. Review status: criteria provided, single submitter. Criteria: Invitae Variant Classification Sherloc (09022015). Collection method: clinical testing. Allele origin: germline.
Comment: This premature translational stop signal has been observed in individual(s) with breast cancer (PMID: 30257646). This variant is also known as c.1396delC. ClinVar contains an entry for this variant (Variation ID: 1771621). For these reasons, this variant has been classified as Pathogenic. This variant is not present in population databases (gnomAD no frequency). This sequence change creates a premature translational stop signal (p.Arg466Glyfs*9) in the BRCA1 gene. It is expected to result in an absent or disrupted protein product. Loss-of-function variants in BRCA1 are known to be pathogenic (PMID: 20104584).

Ambry Genetics
Classification: Pathogenic for Hereditary cancer-predisposing syndrome. Last evaluated: 2020-07-13. Review status: criteria provided, single submitter. Criteria: Ambry Variant Classification Scheme 2023. Collection method: clinical testing. Allele origin: germline.
Comment: The c.1395delT variant, located in coding exon 9 of the BRCA1 gene, results from a deletion of one nucleotide at nucleotide position 1395, causing a translational frameshift with a predicted alternate stop codon (p.R466Gfs*9). This alteration is expected to result in loss of function by premature protein truncation or nonsense-mediated mRNA decay. As such, this alteration is interpreted as a disease-causing mutation.

Literature cited by the submitters: PubMed 30257646 (cited by Labcorp Genetics (formerly Invitae), Labcorp); PubMed 20104584 (cited by Labcorp Genetics (formerly Invitae), Labcorp).